The following is an entry in ClinVar:

NM_000393.5(COL5A2):c.2553+52A>G

Gene: COL5A2 (collagen type V alpha 2 chain; minus strand). Cytogenetic location: 2q32.2.
Variant type: single nucleotide variant.
Coding change: c.2553+52A>G on transcript NM_000393.5 (MANE Select); 52 bases into the intron after coding-DNA position 2553, A replaced by G.
Molecular consequence: intron variant.
Genome position (GRCh38, 1-based): chr2:189,053,372, T>C on the plus strand (A>G on the coding strand, the complement: COL5A2 is on the minus strand). VCF-style: chr2-189053372-T-C. GRCh37 (hg19) VCF-style: chr2-189918098-T-C.
Other names: NC_000002.11:g.189918098T>C.
Identifiers: ClinVar variation 675937 (VCV000675937.2), dbSNP rs75502372, ClinGen allele CA62597285.

ClinVar aggregate classification (germline): Likely benign (1 of 4 stars; one submission).

Allele frequency attached by ClinVar (database versions not stated): 1000 Genomes Project 0.00260; ESP Exome Variant Server 0.00262; TOPMed 0.00315; 1000 Genomes Project 30x 0.00234; gnomAD 0.00280.
gnomAD v4.1: 675 of 1,452,392 alleles (0.046%); highest among the groups gnomAD compares: African/African-American, 0.84%; 4 homozygotes.

Submissions (2):

GeneDx
Classification: Likely benign. Last evaluated: 2018-06-14. Review status: criteria provided, single submitter. Criteria: GeneDx Variant Classification (06012015). Collection method: clinical testing. Allele origin: germline. Affected: yes.
Comment: This variant is considered likely benign or benign based on one or more of the following criteria: it is a conservative change, it occurs at a poorly conserved position in the protein, it is predicted to be benign by multiple in silico algorithms, and/or has population frequency not consistent with disease.

Dr. Peter K. Rogan Lab, Western University
No classification provided (evidence only). Condition: Ovarian serous cystadenocarcinoma. Review status: no classification provided. Collection method: in vitro. Allele origin: not applicable. Functional consequence: retained intron. Not counted in ClinVar's aggregate classification.